The following is an entry in ClinVar:

ClinVar aggregate classification (germline): Uncertain significance (1 of 4 stars; one submission).

Submission:

Labcorp Genetics (formerly Invitae), Labcorp
Classification: Uncertain significance. Last evaluated: 2023-04-10. Review status: criteria provided, single submitter. Criteria: Invitae Variant Classification Sherloc (09022015). Collection method: clinical testing. Allele origin: germline.
Comment: In summary, the available evidence is currently insufficient to determine the role of this variant in disease. Therefore, it has been classified as a Variant of Uncertain Significance. Experimental studies and prediction algorithms are not available or were not evaluated, and the functional significance of this variant is currently unknown. This sequence change replaces glutamine, which is neutral and polar, with proline, which is neutral and non-polar, at codon 1385 of the ERCC6L2 protein (p.Gln1385Pro). This variant has not been reported in the literature in individuals affected with ERCC6L2-related conditions. This variant is not present in population databases (gnomAD no frequency).

NM_020207.7(ERCC6L2):c.4121A>C (p.Gln1374Pro)

Gene: ERCC6L2 (ERCC excision repair 6 like 2; plus strand). Cytogenetic location: 9q22.32.
Variant type: single nucleotide variant.
Coding change: c.4121A>C on transcript NM_020207.7 (MANE Select); coding-DNA position 4121, A replaced by C.
Protein change: p.Gln1374Pro; replaces glutamine 1374 with proline.
Molecular consequence: missense variant. On other transcripts: non-coding transcript variant (1), intron variant (2).
Genome position (GRCh38, 1-based): chr9:96,012,671, A>C. VCF-style: chr9-96012671-A-C. GRCh37 (hg19) VCF-style: chr9-98774953-A-C.
Other names: c.3674+7970A>C (NM_001375291.1, NM_001375292.1); short protein forms Q1374P.
Identifiers: ClinVar variation 2854773 (VCV002854773.3), dbSNP rs2490773187, ClinGen allele CA466121868.